The following is an entry in ClinVar:

ClinVar aggregate classification (germline): Uncertain significance. Review status: criteria provided, multiple submitters, no conflicts (2 of 4 stars). 2 submissions from 2 submitters: Uncertain significance (2). Last evaluated 2021-12-20.

Conditions:
Developmental and epileptic encephalopathy, 37 (DEE37). Also called: Epileptic encephalopathy, early infantile, 37. Identifiers: MedGen C4310770, MONDO:0014859, OMIM 616981.

Submissions (2):

Labcorp Genetics (formerly Invitae), Labcorp
Classification: Uncertain significance for Developmental and epileptic encephalopathy, 37. Last evaluated: 2021-12-20. Review status: criteria provided, single submitter. Criteria: Invitae Variant Classification Sherloc (09022015). Collection method: clinical testing. Allele origin: germline.
Comment: This variant, c.945_946delinsAA, is a complex sequence change that results in the deletion of 2 and insertion of 2 amino acid(s) in the FRRS1L protein (p.Met315_Pro316delinsIleThr). Information on the frequency of this variant in the gnomAD database is not available, as this variant may be reported differently in the database. This variant has not been reported in the literature in individuals affected with FRRS1L-related conditions. ClinVar contains an entry for this variant (Variation ID: 1307708). Experimental studies and prediction algorithms are not available or were not evaluated, and the functional significance of this variant is currently unknown. In summary, the available evidence is currently insufficient to determine the role of this variant in disease. Therefore, it has been classified as a Variant of Uncertain Significance.

GeneDx
Classification: Uncertain significance. Last evaluated: 2019-08-09. Review status: criteria provided, single submitter. Criteria: GeneDx Variant Classification Process June 2021. Collection method: clinical testing. Allele origin: germline. Affected: yes.
Comment: Not observed in large population cohorts (Lek et al., 2016); In silico analysis, which includes protein predictors and evolutionary conservation, supports that this variant does not alter protein structure/function; Has not been previously published as pathogenic or benign to our knowledge

NM_014334.4(FRRS1L):c.792_793delinsAA (p.Met264_Pro265delinsIleThr)

Gene: FRRS1L (ferric chelate reductase 1 like; minus strand). Cytogenetic location: 9q31.3.
Variant type: Indel.
Coding change: c.792_793delinsAA on transcript NM_014334.4 (MANE Select); coding-DNA positions 792 to 793, GC replaced by AA.
Protein change: p.Met264_Pro265delinsIleThr.
Molecular consequence: missense variant.
Genome position (GRCh38, 1-based): chr9:109,137,544-109,137,545, GC replaced by TT on the plus strand (GC replaced by AA on the coding strand, the reverse complement: FRRS1L is on the minus strand). VCF-style: chr9-109137544-GC-TT. GRCh37 (hg19) VCF-style: chr9-111899824-GC-TT.
Identifiers: ClinVar variation 1307708 (VCV001307708.3), dbSNP rs2118459182, ClinGen allele CA2573053080.